The following is an entry in ClinVar:

ClinVar aggregate classification (germline): Uncertain significance (1 of 4 stars; one submission).

Submission:

GeneDx
Classification: Uncertain significance. Last evaluated: 2025-05-30. Review status: criteria provided, single submitter. Criteria: GeneDx Variant Classification Process June 2021. Collection method: clinical testing. Allele origin: germline. Affected: yes.
Comment: Not observed at significant frequency in large population cohorts (gnomAD); In silico analysis supports that this missense variant has a deleterious effect on protein structure/function; Has not been previously published as pathogenic or benign to our knowledge

NM_000540.3(RYR1):c.3061G>A (p.Val1021Met)

Gene: RYR1 (ryanodine receptor 1; plus strand). Cytogenetic location: 19q13.2.
Variant type: single nucleotide variant.
Coding change: c.3061G>A on transcript NM_000540.3 (MANE Select); coding-DNA position 3061, G replaced by A.
Protein change: p.Val1021Met; replaces valine 1021 with methionine.
Molecular consequence: missense variant.
Genome position (GRCh38, 1-based): chr19:38,466,281, G>A. VCF-style: chr19-38466281-G-A. GRCh37 (hg19) VCF-style: chr19-38956921-G-A.
Other names: c.3061G>A, p.Val1021Met (NM_001042723.2); short protein forms V1021M.
Identifiers: ClinVar variation 4532646 (VCV004532646.1).